The following is an entry in ClinVar:

NM_001398427.1(CHN2):c.-601C>T

Genes: CHN2 (chimerin 2; plus strand), CPVL (carboxypeptidase vitellogenic like; minus strand). Cytogenetic location: 7p14.3.
Variant type: single nucleotide variant.
Coding change: c.-601C>T on transcript NM_001398427.1; 601 bases upstream of the start codon, C replaced by T.
Molecular consequence: 5 prime UTR variant. On other transcripts: intron variant (15).
Genome position (GRCh38, 1-based): chr7:29,146,646, C>T. VCF-style: chr7-29146646-C-T. GRCh37 (hg19) VCF-style: chr7-29186262-C-T.
Other names: NM_001293069.1:c.63C>T; c.-496-25575G>A (NM_001371265.1); c.-10-25575G>A (NM_001371261.1, NM_001371264.1, NM_001371260.1 and 8 more transcripts); c.-337-25575G>A (NM_001371267.1); c.-71-25575G>A (NM_001371268.1); c.-364-25575G>A (NM_001371266.1).
Identifiers: ClinVar variation 3029181 (VCV003029181.2), dbSNP rs1173270890, ClinGen allele CA454418789.

ClinVar aggregate classification (germline): Likely benign (0 of 4 stars; one submission).

Conditions:
CHN2-related disorder. Also called: CHN2-related condition.

Allele frequency attached by ClinVar (database versions not stated): TOPMed below 0.00001; gnomAD 0.00001; gnomAD exomes 0.00002.
gnomAD v4.1: 26 of 1,550,474 alleles (0.0017%); highest among the groups gnomAD compares: Non-Finnish European, 0.0022%; no homozygotes.

Submission:

PreventionGenetics, part of Exact Sciences
Classification: Likely benign for CHN2-related condition. Last evaluated: 2022-02-21. Review status: no assertion criteria provided. Collection method: clinical testing. Allele origin: germline.
Comment: This variant is classified as likely benign based on ACMG/AMP sequence variant interpretation guidelines (Richards et al. 2015 PMID: 25741868, with internal and published modifications).